The following is an entry in ClinVar:

NM_000188.3(HK1):c.939G>A (p.Met313Ile)

Gene: HK1 (hexokinase 1; plus strand). Cytogenetic location: 10q22.1.
Variant type: single nucleotide variant.
Coding change: c.939G>A on transcript NM_000188.3 (MANE Select); coding-DNA position 939, G replaced by A.
Protein change: p.Met313Ile; replaces methionine 313 with isoleucine.
Molecular consequence: missense variant. On other transcripts: 5 prime UTR variant (1), non-coding transcript variant (2), intron variant (1).
Genome position (GRCh38, 1-based): chr10:69,376,997, G>A. VCF-style: chr10-69376997-G-A. GRCh37 (hg19) VCF-style: chr10-71136753-G-A.
Other names: c.951G>A, p.Met317Ile (NM_001322364.2, NM_001358263.1, NM_033497.3 and 1 more transcripts); c.1044G>A, p.Met348Ile (NM_001322365.2); c.855G>A, p.Met285Ile (NM_001322366.1, NM_001441143.1); c.843G>A, p.Met281Ile (NM_001322367.1); c.939G>A, p.Met313Ile (NM_001441139.1, NM_001441141.1, NM_001441145.1 and 2 more transcripts); c.930G>A, p.Met310Ile (NM_001441140.1); c.897G>A, p.Met299Ile (NM_001441142.1); c.819G>A, p.Met273Ile (NM_001441144.1); and 9 more; short protein forms M100I, M191I, M239I, M273I, M281I, M285I, M299I, M301I.
Identifiers: ClinVar variation 4847697 (VCV004847697.2).
Genomic context (GRCh38, chr10:69,376,997, plus strand): 5'-TGAGAAGATGGTCAGTGGCATGTACTTGGGAGAGCTGGTTCGACTGATCCTAGTCAAGAT[G>A]GCCAAGGAGGGCCTCTTATTTGAAGGGCGGATCACCCCGGAGCTGCTCACCCGAGGGAAG-3'
Protein context (NP_000179.2, residues 303-323): GELVRLILVK[Met313Ile]AKEGLLFEGR

ClinVar aggregate classification (germline): Uncertain significance. Review status: criteria provided, multiple submitters, no conflicts (2 of 4 stars). 2 submissions from 2 submitters: Uncertain significance (2). Last evaluated 2026-03-31.

Conditions:
Inborn genetic diseases. Identifiers: MedGen C0950123, MeSH D030342.

gnomAD v4.1: 17 of 1,614,066 alleles (0.0011%); highest among the groups gnomAD compares: South Asian, 0.0022%; no homozygotes.

Submissions (2):

Ambry Genetics
Classification: Uncertain significance for Inborn genetic diseases. Last evaluated: 2026-03-31. Review status: criteria provided, single submitter. Criteria: Ambry Variant Classification Scheme 2023. Collection method: clinical testing. Allele origin: germline.
Comment: The c.939G>A (p.M313I) alteration is located in exon 8 (coding exon 8) of the HK1 gene. This alteration results from a G to A substitution at nucleotide position 939, causing the methionine (M) at amino acid position 313 to be replaced by an isoleucine (I). Based on data from gnomAD, the A allele has an overall frequency of <0.001% (1/251490) total alleles studied. The highest observed frequency was 0.003% (1/30616) of South Asian alleles. Based on insufficient or conflicting evidence, the clinical significance of this alteration remains unclear.

Women's Health and Genetics/Laboratory Corporation of America, LabCorp
Classification: Uncertain significance. Last evaluated: 2026-03-25. Review status: criteria provided, single submitter. Criteria: LabCorp Variant Classification Summary - May 2015. Collection method: clinical testing. Allele origin: germline.
Comment: Variant summary: HK1 c.939G>A (p.Met313Ile) results in a conservative amino acid change in the encoded protein sequence. Algorithms developed to predict the effect of missense changes on protein structure and function are either unavailable or do not agree on the potential impact of this missense change. The variant allele was found at a frequency of 4e-06 in 251490 control chromosomes. The available data on variant occurrences in the general population are insufficient to allow any conclusion about variant significance. To our knowledge, no occurrence of c.939G>A in individuals affected with HK1-related conditions and no experimental evidence demonstrating its impact on protein function have been reported. No submitters have cited clinical-significance assessments for this variant to ClinVar. Based on the evidence outlined above, the variant was classified as uncertain significance.